The following is an entry in ClinVar:

ClinVar aggregate classification (germline): Uncertain significance. Review status: criteria provided, multiple submitters, no conflicts (2 of 4 stars). 2 submissions from 2 submitters: Uncertain significance (2). Last evaluated 2024-01-19.

Conditions:
Autosomal dominant limb-girdle muscular dystrophy type 1F (LGMDD2). Also called: Limb-girdle muscular dystrophy, type 1F; MUSCULAR DYSTROPHY, LIMB-GIRDLE, AUTOSOMAL DOMINANT 2. Identifiers: Orphanet 55595, MedGen C1842062, MONDO:0012034, OMIM 608423.

gnomAD v4.1: 10 of 1,614,156 alleles (0.00062%); highest among the groups gnomAD compares: Non-Finnish European, 0.00085%; no homozygotes.

Submissions (2):

Labcorp Genetics (formerly Invitae), Labcorp
Classification: Uncertain significance for Autosomal dominant limb-girdle muscular dystrophy type 1F. Last evaluated: 2024-01-19. Review status: criteria provided, single submitter. Criteria: Invitae Variant Classification Sherloc (09022015). Collection method: clinical testing. Allele origin: germline.
Comment: This sequence change replaces arginine, which is basic and polar, with leucine, which is neutral and non-polar, at codon 653 of the TNPO3 protein (p.Arg653Leu). This variant is not present in population databases (gnomAD no frequency). This variant has not been reported in the literature in individuals affected with TNPO3-related conditions. ClinVar contains an entry for this variant (Variation ID: 2058366). Advanced modeling of protein sequence and biophysical properties (such as structural, functional, and spatial information, amino acid conservation, physicochemical variation, residue mobility, and thermodynamic stability) performed at Invitae indicates that this missense variant is not expected to disrupt TNPO3 protein function with a negative predictive value of 80%. In summary, the available evidence is currently insufficient to determine the role of this variant in disease. Therefore, it has been classified as a Variant of Uncertain Significance.

GeneDx
Classification: Uncertain significance. Last evaluated: 2022-07-25. Review status: criteria provided, single submitter. Criteria: GeneDx Variant Classification Process June 2021. Collection method: clinical testing. Allele origin: germline. Affected: yes.
Comment: Not observed at significant frequency in large population cohorts (gnomAD); In silico analysis supports that this missense variant has a deleterious effect on protein structure/function; Has not been previously published as pathogenic or benign to our knowledge

NM_012470.4(TNPO3):c.1958G>T (p.Arg653Leu)

Gene: TNPO3 (transportin 3; minus strand). Cytogenetic location: 7q32.1.
Variant type: single nucleotide variant.
Coding change: c.1958G>T on transcript NM_012470.4 (MANE Select); coding-DNA position 1958, G replaced by T.
Protein change: p.Arg653Leu; replaces arginine 653 with leucine.
Molecular consequence: missense variant. On other transcripts: non-coding transcript variant (14), intron variant (1).
Genome position (GRCh38, 1-based): chr7:128,979,086, C>A on the plus strand (G>T on the coding strand, the complement: TNPO3 is on the minus strand). VCF-style: chr7-128979086-C-A. GRCh37 (hg19) VCF-style: chr7-128619140-C-A.
Other names: c.1814G>T, p.Arg605Leu (NM_001382221.1); c.1811G>T, p.Arg604Leu (NM_001382222.1); c.1766G>T, p.Arg589Leu (NM_001382223.1, NM_001191028.3); c.2060G>T, p.Arg687Leu (NM_001382216.1); c.2039G>T, p.Arg680Leu (NM_001382217.1); c.1958G>T, p.Arg653Leu (NM_001382218.1); c.1850G>T, p.Arg617Leu (NM_001382219.1); c.1958G>T (NM_012470.3); and 1 more; short protein forms R589L, R680L, R687L, R604L, R605L, R653L, R617L.
Identifiers: ClinVar variation 2058366 (VCV002058366.9), dbSNP rs766916784, ClinGen allele CA369221446.
Genomic context (GRCh38, chr7:128,979,086, plus strand): 5'-ACACAGCGAACAGCAAAGCGCAGGCACCTGCAACAACGCTCTACAATCCGATTATCAGCT[C>A]GGTGCTTATTTAGAGTCTCGGATAAAACTGGCCATATCTGGGTCAAAAGTAAAAGAGCAC-3'
Protein context (NP_036602.1, residues 643-663): PVLSETLNKH[Arg653Leu]ADNRIVERCC